The following is an entry in ClinVar:

NM_030662.4(MAP2K2):c.823C>T (p.Leu275=)

Gene: MAP2K2 (mitogen-activated protein kinase kinase 2; minus strand). Cytogenetic location: 19p13.3.
Variant type: single nucleotide variant.
Coding change: c.823C>T on transcript NM_030662.4 (MANE Select); coding-DNA position 823, C replaced by T.
Protein change: p.Leu275=; no amino-acid change (leucine 275 retained).
Molecular consequence: synonymous variant.
Genome position (GRCh38, 1-based): chr19:4,099,297, G>A on the plus strand (C>T on the coding strand, the complement: MAP2K2 is on the minus strand). VCF-style: chr19-4099297-G-A. GRCh37 (hg19) VCF-style: chr19-4099295-G-A.
Other names: p.L275L; NM_030662.3(MAP2K2):c.823C>T.
Identifiers: ClinVar variation 40825 (VCV000040825.24), dbSNP rs145934142, ClinGen allele CA137969.
Genomic context (GRCh38, chr19:4,099,297, plus strand): 5'-AGATGCTGTGAGGCTCTCCTTCTTCCCCGTCGACCACGGGCCGGCCAAAGATGGCCTCCA[G>A]CTCTTTGGCGTCGGGCGGGGGGATGGGGTACCTTCCGACGGCCAGCTCCACCAGGGACAG-3'
Protein context (NP_109587.1, residues 265-285): YPIPPPDAKE[Leu275=]EAIFGRPVVD

ClinVar aggregate classification (germline): Benign. Review status: reviewed by expert panel (3 of 4 stars). 9 submissions from 9 submitters: Benign (1). 8 of the submissions do not count toward it. Last evaluated 2017-05-09.

Conditions:
MAP2K2-related disorder. Also called: MAP2K2-related condition.
Cardiovascular phenotype. Identifiers: MedGen CN230736.
RASopathy. Also called: rasopathies; Noonan spectrum disorder. Identifiers: Orphanet 536391, MedGen C5555857, MONDO:0021060.

Allele frequency attached by ClinVar (database versions not stated): gnomAD 0.00070 and 0.00068; gnomAD exomes 0.00020; ExAC 0.00028; TOPMed 0.00057; 1000 Genomes Project 30x 0.00031; 1000 Genomes Project 0.00040; ESP Exome Variant Server 0.00069.
gnomAD v4.1: 188 of 1,607,452 alleles (0.012%); highest among the groups gnomAD compares: African/African-American, 0.17%; 2 homozygotes.

Submissions (9):

ClinGen RASopathy Variant Curation Expert Panel
Classification: Benign for Noonan syndrome and Noonan-related syndrome. Last evaluated: 2017-05-09. Review status: reviewed by expert panel. Criteria: ClinGen RASopathy ACMG Specifications v1. Collection method: curation. Allele origin: germline. Inheritance: Autosomal dominant inheritance.
Comment: The filtering allele frequency of the c.823C>T (p.Leu275=) variant in the MAP2K2 gene is 0.2% (19/6224) of African chromosomes by the Exome Aggregation Consortium, which is a high enough frequency to be classified as benign based on thresholds defined by the ClinGen RASopathy Expert Panel (BA1; PMID:29493581)

CeGaT Center for Human Genetics Tuebingen
Classification: Likely benign. Last evaluated: 2026-07-01. Review status: criteria provided, single submitter. Criteria: CeGaT Center For Human Genetics Tuebingen Variant Classification Criteria Version 2. Collection method: clinical testing. Allele origin: germline. Affected: yes. Observed: 1 variant allele. Not counted in ClinVar's aggregate classification.
Comment: MAP2K2: BP4, BP7, BS1

Labcorp Genetics (formerly Invitae), Labcorp
Classification: Benign for RASopathy. Last evaluated: 2026-01-31. Review status: criteria provided, single submitter. Criteria: Invitae Variant Classification Sherloc (09022015). Collection method: clinical testing. Allele origin: germline. Not counted in ClinVar's aggregate classification.

Blueprint Genetics
Classification: Likely benign. Last evaluated: 2024-06-11. Review status: criteria provided, single submitter. Criteria: ACMG Guidelines, 2015. Collection method: clinical testing. Allele origin: germline. Not counted in ClinVar's aggregate classification.

Ambry Genetics
Classification: Likely benign for Cardiovascular phenotype. Last evaluated: 2022-05-17. Review status: criteria provided, single submitter. Criteria: Ambry Variant Classification Scheme 2023. Collection method: clinical testing. Allele origin: germline. Not counted in ClinVar's aggregate classification.

Women's Health and Genetics/Laboratory Corporation of America, LabCorp
Classification: Benign. Last evaluated: 2019-07-05. Review status: criteria provided, single submitter. Criteria: LabCorp Variant Classification Summary - May 2015. Collection method: clinical testing. Allele origin: germline. Not counted in ClinVar's aggregate classification.

GeneDx
Classification: Benign. Last evaluated: 2015-03-03. Review status: criteria provided, single submitter. Criteria: GeneDx Variant Classification Process June 2021. Collection method: clinical testing. Allele origin: germline. Affected: yes. Not counted in ClinVar's aggregate classification.

Laboratory for Molecular Medicine, Mass General Brigham Personalized Medicine
Classification: Likely benign. Last evaluated: 2009-04-27. Review status: criteria provided, single submitter. Criteria: LMM Criteria. Collection method: clinical testing. Allele origin: germline. Observed: 1 variant allele. Not counted in ClinVar's aggregate classification.

PreventionGenetics, part of Exact Sciences
Classification: Likely benign for MAP2K2-related condition. Last evaluated: 2021-07-01. Review status: no assertion criteria provided. Collection method: clinical testing. Allele origin: germline. Not counted in ClinVar's aggregate classification.
Comment: This variant is classified as likely benign based on ACMG/AMP sequence variant interpretation guidelines (Richards et al. 2015 PMID: 25741868, with internal and published modifications).